The following is an entry in ClinVar:

NM_003322.6(TULP1):c.1016G>A (p.Gly339Asp)

Gene: TULP1 (TUB like protein 1; minus strand). Cytogenetic location: 6p21.31.
Variant type: single nucleotide variant.
Coding change: c.1016G>A on transcript NM_003322.6 (MANE Select); coding-DNA position 1016, G replaced by A.
Protein change: p.Gly339Asp; replaces glycine 339 with aspartic acid.
Molecular consequence: missense variant.
Genome position (GRCh38, 1-based): chr6:35,505,837, C>T on the plus strand (G>A on the coding strand, the complement: TULP1 is on the minus strand). VCF-style: chr6-35505837-C-T. GRCh37 (hg19) VCF-style: chr6-35473614-C-T.
Other names: c.857G>A, p.Gly286Asp (NM_001289395.2); short protein forms G286D, G339D.
Identifiers: ClinVar variation 1065674 (VCV001065674.1), dbSNP rs1761069157, ClinGen allele CA363779862.

ClinVar aggregate classification (germline): Uncertain significance (1 of 4 stars; one submission).

Conditions:
Retinitis pigmentosa 14 (RP14). Also called: RETINITIS PIGMENTOSA, JUVENILE, TULP1-RELATED. Identifiers: Orphanet 791, MedGen C1838603, MONDO:0010827, OMIM 600132.

Submission:

Ocular Genomics Institute, Massachusetts Eye and Ear
Classification: Uncertain significance for Retinitis pigmentosa 14. Last evaluated: 2021-04-08. Review status: criteria provided, single submitter. Criteria: ACMG Guidelines, 2015. Collection method: research. Allele origin: germline. Affected: yes.
Comment: Through a review of available evidence we were able to apply the following criteria: PM2. Based on this evidence we have classified this variant as Variant of Uncertain Significance.